The following is an entry in ClinVar:

ClinVar aggregate classification (germline): Uncertain significance (1 of 4 stars; one submission).

Conditions:
Progressive myoclonic epilepsy type 9. Identifiers: Orphanet 457265, MedGen C4225289, MONDO:0014685, OMIM 616540.
Lipodystrophy, partial, acquired, susceptibility to (APLD). Also called: APLD, SUSCEPTIBILITY TO. Identifiers: MedGen C3887501, MONDO:0100476, OMIM 608709.

gnomAD v4.1: 4 of 1,613,364 alleles (0.00025%); highest among the groups gnomAD compares: Admixed American, 0.0067%; no homozygotes.

Submission:

Labcorp Genetics (formerly Invitae), Labcorp
Classification: Uncertain significance for Progressive myoclonic epilepsy type 9; Lipodystrophy, partial, acquired, susceptibility to. Last evaluated: 2024-07-11. Review status: criteria provided, single submitter. Criteria: Invitae Variant Classification Sherloc (09022015). Collection method: clinical testing. Allele origin: germline.
Comment: This sequence change replaces lysine, which is basic and polar, with glutamine, which is neutral and polar, at codon 484 of the LMNB2 protein (p.Lys484Gln). This variant is present in population databases (rs751304130, gnomAD 0.009%). This variant has not been reported in the literature in individuals affected with LMNB2-related conditions. Advanced modeling of protein sequence and biophysical properties (such as structural, functional, and spatial information, amino acid conservation, physicochemical variation, residue mobility, and thermodynamic stability) performed at Invitae indicates that this missense variant is expected to disrupt LMNB2 protein function with a positive predictive value of 80%. In summary, the available evidence is currently insufficient to determine the role of this variant in disease. Therefore, it has been classified as a Variant of Uncertain Significance.

NM_032737.4(LMNB2):c.1450A>C (p.Lys484Gln)

Gene: LMNB2 (lamin B2; minus strand). Cytogenetic location: 19p13.3.
Variant type: single nucleotide variant.
Coding change: c.1450A>C on transcript NM_032737.4 (MANE Select); coding-DNA position 1450, A replaced by C.
Protein change: p.Lys484Gln; replaces lysine 484 with glutamine.
Molecular consequence: missense variant.
Genome position (GRCh38, 1-based): chr19:2,433,858, T>G on the plus strand (A>C on the coding strand, the complement: LMNB2 is on the minus strand). VCF-style: chr19-2433858-T-G. GRCh37 (hg19) VCF-style: chr19-2433856-T-G.
Other names: short protein forms K484Q.
Identifiers: ClinVar variation 3760818 (VCV003760818.2).